The following is an entry in ClinVar:

NM_004744.5(LRAT):c.164G>A (p.Arg55Gln)

Gene: LRAT (lecithin retinol acyltransferase; plus strand). Cytogenetic location: 4q32.1.
Variant type: single nucleotide variant.
Coding change: c.164G>A on transcript NM_004744.5 (MANE Select); coding-DNA position 164, G replaced by A.
Protein change: p.Arg55Gln; replaces arginine 55 with glutamine.
Molecular consequence: missense variant.
Genome position (GRCh38, 1-based): chr4:154,744,490, G>A. VCF-style: chr4-154744490-G-A. GRCh37 (hg19) VCF-style: chr4-155665642-G-A.
Other names: c.164G>A, p.Arg55Gln (NM_001301645.2); short protein forms R55Q.
Identifiers: ClinVar variation 4526239 (VCV004526239.1).
Genomic context (GRCh38, chr4:154,744,490, plus strand): 5'-GGAGGAACAGTTTTTATGAAACCAGCTCTTTCCACCGAGGCGACGTGCTGGAGGTGCCCC[G>A]GACCCACCTGACCCACTATGGCATCTACCTAGGAGACAACCGTGTTGCCCACATGATGCC-3'
Protein context (NP_004735.2, residues 45-65): FHRGDVLEVP[Arg55Gln]THLTHYGIYL

ClinVar aggregate classification (germline): Uncertain significance (1 of 4 stars; one submission).

Submission:

Women's Health and Genetics/Laboratory Corporation of America, LabCorp
Classification: Uncertain significance. Last evaluated: 2025-07-23. Review status: criteria provided, single submitter. Criteria: LabCorp Variant Classification Summary - May 2015. Collection method: clinical testing. Allele origin: germline.
Comment: Variant summary: LRAT c.164G>A (p.Arg55Gln) results in a conservative amino acid change in the encoded protein sequence. Algorithms developed to predict the effect of missense changes on protein structure and function are either unavailable or do not agree on the potential impact of this missense change. The variant was absent in 251342 control chromosomes. The available data on variant occurrences in the general population are insufficient to allow any conclusion about variant significance. To our knowledge, no occurrence of c.164G>A in individuals affected with Leber congenital amaurosis and no experimental evidence demonstrating its impact on protein function have been reported. A different variant affecting the same codon has been classified as likely pathogenic/pathogenic by our lab (c.163C>T, &same_codon_pdot&), supporting the critical relevance of codon 55 to LRAT protein function. No submitters have cited clinical-significance assessments for this variant to ClinVar. Based on the evidence outlined above, the variant was classified as uncertain significance.